The following is an entry in ClinVar:

ClinVar aggregate classification (germline): Uncertain significance (1 of 4 stars; one submission).

Conditions:
Dyskeratosis congenita, autosomal dominant 2. Identifiers: MedGen C3151443, MONDO:0013521, OMIM 613989.
Idiopathic Pulmonary Fibrosis. Also called: Idiopathic fibrosing alveolitis, chronic form; idiopathic fibrosing alveolitis. Identifiers: Orphanet 2032, MedGen C1800706, MeSH D054990, MONDO:0800504.

Submission:

Labcorp Genetics (formerly Invitae), Labcorp
Classification: Uncertain significance for Dyskeratosis congenita, autosomal dominant 2; Idiopathic Pulmonary Fibrosis. Last evaluated: 2017-11-06. Review status: criteria provided, single submitter. Criteria: Invitae Variant Classification Sherloc (09022015). Collection method: clinical testing. Allele origin: germline.
Comment: This sequence change replaces alanine with valine at codon 615 of the TERT protein (p.Ala615Val). The alanine residue is weakly conserved and there is a small physicochemical difference between alanine and valine. This variant is not present in population databases (ExAC no frequency). This variant has not been reported in the literature in individuals with TERT-related disease. Algorithms developed to predict the effect of missense changes on protein structure and function output the following: SIFT: "Tolerated"; PolyPhen-2: "Benign"; Align-GVGD: "Class C0". The valine amino acid residue is found in multiple mammalian species, suggesting that this missense change does not adversely affect protein function. These predictions have not been confirmed by published functional studies and their clinical significance is uncertain. In summary, the available evidence is currently insufficient to determine the role of this variant in disease. Therefore, it has been classified as a Variant of Uncertain Significance.

NM_198253.3(TERT):c.1844C>T (p.Ala615Val)

Gene: TERT (telomerase reverse transcriptase; minus strand). Cytogenetic location: 5p15.33.
Variant type: single nucleotide variant.
Coding change: c.1844C>T on transcript NM_198253.3 (MANE Select); coding-DNA position 1844, C replaced by T.
Protein change: p.Ala615Val; replaces alanine 615 with valine.
Molecular consequence: missense variant. On other transcripts: non-coding transcript variant (2).
Genome position (GRCh38, 1-based): chr5:1,280,264, G>A on the plus strand (C>T on the coding strand, the complement: TERT is on the minus strand). VCF-style: chr5-1280264-G-A. GRCh37 (hg19) VCF-style: chr5-1280379-G-A.
Other names: c.1844C>T, p.Ala615Val (NM_001193376.3); short protein forms A615V.
Identifiers: ClinVar variation 539190 (VCV000539190.9), dbSNP rs1554041088, ClinGen allele CA359081782.
Genomic context (GRCh38, chr5:1,280,264, plus strand): 5'-TTCACAATCGGCCGCAGCCCGTCAGGCTTGGGGATGAAGCGGAGTCTGGACGTCAGCAGG[G>A]CGGGCCTGGCTTCCCGATGCTGCCTGACCTCTGCTTCCGACAGCTCCCGCAGCTGCACCC-3'
Protein context (NP_937983.2, residues 605-625): EVRQHREARP[Ala615Val]LLTSRLRFIP